The following is an entry in ClinVar:

ClinVar aggregate classification (germline): Uncertain significance (1 of 4 stars; one submission).

Conditions:
Deficiency of malonyl-CoA decarboxylase. Also called: Malonic aciduria; MCD deficiency. Identifiers: Orphanet 943, MedGen C0342793, MONDO:0009556, OMIM 248360.

Allele frequency attached by ClinVar (database versions not stated): gnomAD exomes below 0.00001; ExAC 0.00002; gnomAD 0.00007; ESP Exome Variant Server 0.00008; TOPMed 0.00008.

Submission:

Labcorp Genetics (formerly Invitae), Labcorp
Classification: Uncertain significance for Deficiency of malonyl-CoA decarboxylase. Last evaluated: 2022-05-10. Review status: criteria provided, single submitter. Criteria: Invitae Variant Classification Sherloc (09022015). Collection method: clinical testing. Allele origin: germline.
Comment: This sequence change replaces alanine, which is neutral and non-polar, with threonine, which is neutral and polar, at codon 217 of the MLYCD protein (p.Ala217Thr). This variant is present in population databases (rs368843501, gnomAD 0.02%). This variant has not been reported in the literature in individuals affected with MLYCD-related conditions. Algorithms developed to predict the effect of missense changes on protein structure and function (SIFT, PolyPhen-2, Align-GVGD) all suggest that this variant is likely to be disruptive. In summary, the available evidence is currently insufficient to determine the role of this variant in disease. Therefore, it has been classified as a Variant of Uncertain Significance.

NM_012213.3(MLYCD):c.649G>A (p.Ala217Thr)

Gene: MLYCD (malonyl-CoA decarboxylase; plus strand). Cytogenetic location: 16q23.3.
Variant type: single nucleotide variant.
Coding change: c.649G>A on transcript NM_012213.3 (MANE Select); coding-DNA position 649, G replaced by A.
Protein change: p.Ala217Thr; replaces alanine 217 with threonine.
Molecular consequence: missense variant.
Genome position (GRCh38, 1-based): chr16:83,908,133, G>A. VCF-style: chr16-83908133-G-A. GRCh37 (hg19) VCF-style: chr16-83941738-G-A.
Other names: short protein forms A217T.
Identifiers: ClinVar variation 2415013 (VCV002415013.3), dbSNP rs368843501, ClinGen allele CA8197330.